The following is an entry in ClinVar:

ClinVar aggregate classification (germline): Uncertain significance. Review status: criteria provided, multiple submitters, no conflicts (2 of 4 stars). 2 submissions from 2 submitters: Uncertain significance (2). Last evaluated 2025-05-14.

Conditions:
Hereditary cancer-predisposing syndrome. Also called: Tumor predisposition; Hereditary Cancer Syndrome; Hereditary neoplastic syndrome; Neoplastic Syndromes, Hereditary. Identifiers: Orphanet 140162, MedGen C0027672, MeSH D009386, MONDO:0015356.
Hereditary diffuse gastric adenocarcinoma (HDGC). Also called: DIFFUSE GASTRIC AND LOBULAR BREAST CANCER SYNDROME. Identifiers: Orphanet 26106, MedGen C1708349, MONDO:0007648, OMIM 137215.

Allele frequency attached by ClinVar (database versions not stated): gnomAD exomes below 0.00001.

Submissions (2):

Ambry Genetics
Classification: Uncertain significance for Hereditary cancer-predisposing syndrome. Last evaluated: 2025-05-14. Review status: criteria provided, single submitter. Criteria: Ambry Variant Classification Scheme 2023. Collection method: clinical testing. Allele origin: germline.
Comment: The p.P620T variant (also known as c.1858C>A), located in coding exon 12 of the CDH1 gene, results from a C to A substitution at nucleotide position 1858. The proline at codon 620 is replaced by threonine, an amino acid with highly similar properties. This amino acid position is highly conserved in available vertebrate species. In addition, this alteration is predicted to be tolerated by in silico analysis. Based on the available evidence, the clinical significance of this variant remains unclear.

Labcorp Genetics (formerly Invitae), Labcorp
Classification: Uncertain significance for Hereditary diffuse gastric adenocarcinoma. Last evaluated: 2024-02-15. Review status: criteria provided, single submitter. Criteria: Invitae Variant Classification Sherloc (09022015). Collection method: clinical testing. Allele origin: germline.
Comment: This sequence change replaces proline, which is neutral and non-polar, with threonine, which is neutral and polar, at codon 620 of the CDH1 protein (p.Pro620Thr). This variant is not present in population databases (gnomAD no frequency). This variant has not been reported in the literature in individuals affected with CDH1-related conditions. ClinVar contains an entry for this variant (Variation ID: 185044). An algorithm developed to predict the effect of missense changes on protein structure and function (PolyPhen-2) suggests that this variant is likely to be disruptive. In summary, the available evidence is currently insufficient to determine the role of this variant in disease. Therefore, it has been classified as a Variant of Uncertain Significance.

NM_004360.5(CDH1):c.1858C>A (p.Pro620Thr)

Gene: CDH1 (cadherin 1; plus strand). Cytogenetic location: 16q22.1.
Variant type: single nucleotide variant.
Coding change: c.1858C>A on transcript NM_004360.5 (MANE Select); coding-DNA position 1858, C replaced by A.
Protein change: p.Pro620Thr; replaces proline 620 with threonine.
Molecular consequence: missense variant. On other transcripts: 5 prime UTR variant (1).
Genome position (GRCh38, 1-based): chr16:68,822,147, C>A. VCF-style: chr16-68822147-C-A. GRCh37 (hg19) VCF-style: chr16-68856050-C-A.
Other names: c.1858C>A (LRG_301t1); c.1675C>A, p.Pro559Thr (NM_001317184.2); c.310C>A, p.Pro104Thr (NM_001317185.2); c.-108C>A (NM_001317186.2); short protein forms P620T, P104T, P559T.
Identifiers: ClinVar variation 185044 (VCV000185044.14), dbSNP rs786201888, ClinGen allele CA190859.